The following is an entry in ClinVar:

NM_021978.4(ST14):c.1224-5T>C

Gene: ST14 (ST14 transmembrane serine protease matriptase; plus strand). Cytogenetic location: 11q24.3.
Variant type: single nucleotide variant.
Coding change: c.1224-5T>C on transcript NM_021978.4 (MANE Select); 5 bases into the intron before coding-DNA position 1224, T replaced by C.
Molecular consequence: intron variant.
Genome position (GRCh38, 1-based): chr11:130,196,565, T>C. VCF-style: chr11-130196565-T-C. GRCh37 (hg19) VCF-style: chr11-130066460-T-C.
Other names: c.1224-5T>C (NM_021978.3).
Identifiers: ClinVar variation 1532737 (VCV001532737.11), dbSNP rs201031832, ClinGen allele CA6363976.

ClinVar aggregate classification (germline): Benign. Review status: criteria provided, multiple submitters, no conflicts (2 of 4 stars). 3 submissions from 3 submitters: Benign (2). 1 of the submissions does not count toward it. Last evaluated 2026-01-12.

Conditions:
ST14-related disorder. Also called: ST14-related condition.

Allele frequency attached by ClinVar (database versions not stated): ExAC 0.01348; gnomAD exomes 0.02135; gnomAD 0.02247 and 0.02311; 1000 Genomes Project 30x 0.01921; 1000 Genomes Project 0.02456.
gnomAD v4.1: 9,666 of 1,176,710 alleles (0.82%); highest among the groups gnomAD compares: Admixed American, 13%; 356 homozygotes.

Submissions (3):

Labcorp Genetics (formerly Invitae), Labcorp
Classification: Benign. Last evaluated: 2026-01-12. Review status: criteria provided, single submitter. Criteria: Invitae Variant Classification Sherloc (09022015). Collection method: clinical testing. Allele origin: germline.

Breakthrough Genomics
Classification: Benign. Review status: criteria provided, single submitter. Criteria: ACMG Guidelines, 2015. Collection method: not provided. Allele origin: germline. Inheritance: Autosomal recessive inheritance. Affected: yes.

PreventionGenetics, part of Exact Sciences
Classification: Benign for ST14-related condition. Last evaluated: 2019-05-24. Review status: no assertion criteria provided. Collection method: clinical testing. Allele origin: germline. Not counted in ClinVar's aggregate classification.
Comment: This variant is classified as benign based on ACMG/AMP sequence variant interpretation guidelines (Richards et al. 2015 PMID: 25741868, with internal and published modifications).